The following is an entry in ClinVar:

NM_003632.3(CNTNAP1):c.3297C>T (p.Tyr1099=)

Gene: CNTNAP1 (contactin associated protein 1; plus strand). Cytogenetic location: 17q21.2.
Variant type: single nucleotide variant.
Coding change: c.3297C>T on transcript NM_003632.3 (MANE Select); coding-DNA position 3297, C replaced by T.
Protein change: p.Tyr1099=; no amino-acid change (tyrosine 1099 retained).
Molecular consequence: synonymous variant.
Genome position (GRCh38, 1-based): chr17:42,695,825, C>T. VCF-style: chr17-42695825-C-T. GRCh37 (hg19) VCF-style: chr17-40847843-C-T.
Identifiers: ClinVar variation 728278 (VCV000728278.29), dbSNP rs199565455, ClinGen allele CA8582277.

ClinVar aggregate classification (germline): Likely benign. Review status: criteria provided, multiple submitters, no conflicts (2 of 4 stars). 4 submissions from 4 submitters: Likely benign (4). Last evaluated 2026-02-01.

Conditions:
CNTNAP1-related disorder. Also called: CNTNAP1-related condition; CNTNAP1-related disease.

Allele frequency attached by ClinVar (database versions not stated): 1000 Genomes Project 30x 0.00016; 1000 Genomes Project 0.00020; TOPMed 0.00061; gnomAD 0.00076; ESP Exome Variant Server 0.00077; gnomAD exomes 0.00122.
gnomAD v4.1: 1,879 of 1,614,186 alleles (0.12%); highest among the groups gnomAD compares: Non-Finnish European, 0.14%; 2 homozygotes.

Submissions (4):

CeGaT Center for Human Genetics Tuebingen
Classification: Likely benign. Last evaluated: 2026-02-01. Review status: criteria provided, single submitter. Criteria: CeGaT Center For Human Genetics Tuebingen Variant Classification Criteria Version 2. Collection method: clinical testing. Allele origin: germline. Affected: yes. Observed: 2 variant alleles.
Comment: CNTNAP1: BP4, BP7

Labcorp Genetics (formerly Invitae), Labcorp
Classification: Likely benign. Last evaluated: 2026-01-23. Review status: criteria provided, single submitter. Criteria: Invitae Variant Classification Sherloc (09022015). Collection method: clinical testing. Allele origin: germline.

PreventionGenetics, part of Exact Sciences
Classification: Likely benign for CNTNAP1-related condition. Last evaluated: 2024-11-15. Review status: criteria provided, single submitter. Criteria: ACMG Guidelines, 2015. Collection method: clinical testing. Allele origin: germline.
Comment: This variant is classified as likely benign based on ACMG/AMP sequence variant interpretation guidelines (Richards et al. 2015 PMID: 25741868, with internal and published modifications).

Blueprint Genetics
Classification: Likely benign. Last evaluated: 2024-08-27. Review status: criteria provided, single submitter. Criteria: ACMG Guidelines, 2015. Collection method: clinical testing. Allele origin: germline.